The following is an entry in ClinVar:

NM_000834.5(GRIN2B):c.3670_3672del (p.Asn1224del)

Gene: GRIN2B (glutamate ionotropic receptor NMDA type subunit 2B; minus strand). Cytogenetic location: 12p13.1.
Variant type: Deletion.
Coding change: c.3670_3672del on transcript NM_000834.5 (MANE Select); coding-DNA positions 3670 to 3672, 3 bases deleted (AAC; older notation c.3670_3672delAAC).
Protein change: p.Asn1224del; deletes asparagine 1224.
Molecular consequence: inframe deletion.
Genome position (GRCh38, 1-based): chr12:13,563,566-13,563,568, GTT deleted on the plus strand (AAC on the coding strand, the reverse complement: GRIN2B is on the minus strand); deleting any 3 consecutive bases within chr12:13,563,566-13,563,570 gives the same sequence; the c. name uses the placement nearest the transcript's 3' end. VCF-style (leftmost placement, unchanged base first): chr12-13563565-AGTT-A. GRCh37 (hg19) VCF-style: chr12-13716499-AGTT-A.
Other names: c.3670_3672delAAC (NM_000834.3); c.3670_3672del (NM_000834.3); short protein forms N1224del.
Identifiers: ClinVar variation 520574 (VCV000520574.6), dbSNP rs1555102005, ClinGen allele CA658797845.

ClinVar aggregate classification (germline): Uncertain significance. Review status: criteria provided, multiple submitters, no conflicts (2 of 4 stars). 3 submissions from 3 submitters: Uncertain significance (3). Last evaluated 2025-11-15.

Conditions:
Inborn genetic diseases. Identifiers: MedGen C0950123, MeSH D030342.
Intellectual developmental disorder, autosomal dominant 6, with or without seizures. Also called: Intellectual disability, autosomal dominant 6; GRIN2B-related developmental delay, intellectual disability and autism spectrum disorder. Identifiers: Orphanet 589547, MedGen C3151411, MONDO:0013509, OMIM 613970.
Developmental and epileptic encephalopathy, 27 (DEE27). Also called: Epileptic encephalopathy, early infantile, 27; GRIN2B-Related Neurodevelopmental Disorder. Identifiers: Orphanet 3451, MedGen C4015316, MONDO:0014505, OMIM 616139.

Submissions (3):

Labcorp Genetics (formerly Invitae), Labcorp
Classification: Uncertain significance for Developmental and epileptic encephalopathy, 27; Intellectual developmental disorder, autosomal dominant 6, with or without seizures. Last evaluated: 2025-11-15. Review status: criteria provided, single submitter. Criteria: Invitae Variant Classification Sherloc (09022015). Collection method: clinical testing. Allele origin: germline.
Comment: This variant, c.3670_3672del, results in the deletion of 1 amino acid(s) of the GRIN2B protein (p.Asn1224del), but otherwise preserves the integrity of the reading frame. This variant is not present in population databases (gnomAD no frequency). This variant has not been reported in the literature in individuals affected with GRIN2B-related conditions. ClinVar contains an entry for this variant (Variation ID: 520574). Experimental studies and prediction algorithms are not available or were not evaluated, and the functional significance of this variant is currently unknown. In summary, the available evidence is currently insufficient to determine the role of this variant in disease. Therefore, it has been classified as a Variant of Uncertain Significance.

GeneDx
Classification: Uncertain significance. Last evaluated: 2023-03-20. Review status: criteria provided, single submitter. Criteria: GeneDx Variant Classification Process June 2021. Collection method: clinical testing. Allele origin: germline. Affected: yes.
Comment: In-frame deletion of 1 amino acid in a non-repeat region; Not observed at significant frequency in large population cohorts (gnomAD); Has not been previously published as pathogenic or benign to our knowledge

Ambry Genetics
Classification: Uncertain significance for Inborn genetic diseases. Last evaluated: 2015-11-02. Review status: criteria provided, single submitter. Criteria: Ambry exome assertion method (8-5-2015). Collection method: clinical testing. Allele origin: germline. Affected: yes. Observed: 1 variant allele.